The following is an entry in ClinVar:

ClinVar aggregate classification (germline): Uncertain significance (1 of 4 stars; one submission).

Allele frequency attached by ClinVar (database versions not stated): gnomAD 0.00001; gnomAD exomes below 0.00001.
gnomAD v4.1: 4 of 1,604,020 alleles (0.00025%); highest among the groups gnomAD compares: Admixed American, 0.0017%; no homozygotes.

Submission:

Labcorp Genetics (formerly Invitae), Labcorp
Classification: Uncertain significance. Last evaluated: 2024-12-02. Review status: criteria provided, single submitter. Criteria: Invitae Variant Classification Sherloc (09022015). Collection method: clinical testing. Allele origin: germline.
Comment: This sequence change replaces glycine, which is neutral and non-polar, with glutamic acid, which is acidic and polar, at codon 1172 of the TUBGCP6 protein (p.Gly1172Glu). This variant is present in population databases (no rsID available, gnomAD no frequency). This variant has not been reported in the literature in individuals affected with TUBGCP6-related conditions. ClinVar contains an entry for this variant (Variation ID: 1469001). Experimental studies and prediction algorithms are not available or were not evaluated, and the functional significance of this variant is currently unknown. In summary, the available evidence is currently insufficient to determine the role of this variant in disease. Therefore, it has been classified as a Variant of Uncertain Significance.

NM_020461.4(TUBGCP6):c.3515G>A (p.Gly1172Glu)

Gene: TUBGCP6 (tubulin gamma complex component 6; minus strand). Cytogenetic location: 22q13.33.
Variant type: single nucleotide variant.
Coding change: c.3515G>A on transcript NM_020461.4 (MANE Select); coding-DNA position 3515, G replaced by A.
Protein change: p.Gly1172Glu; replaces glycine 1172 with glutamic acid.
Molecular consequence: missense variant.
Genome position (GRCh38, 1-based): chr22:50,220,844, C>T on the plus strand (G>A on the coding strand, the complement: TUBGCP6 is on the minus strand). VCF-style: chr22-50220844-C-T. GRCh37 (hg19) VCF-style: chr22-50659273-C-T.
Other names: short protein forms G1172E.
Identifiers: ClinVar variation 1469001 (VCV001469001.5), dbSNP rs760250092, ClinGen allele CA412182003.
Genomic context (GRCh38, chr22:50,220,844, plus strand): 5'-GACACGTGTCCATGGGTGTTCCACCGTGGCCGGGCGGGAGCCATGTCTGACACAGACTCC[C>T]CCAAGCTGATGCTGGCATCGGACACGTGTCCATGGGTGTTCCACCGTGGCCGGGTGGGAG-3'
Protein context (NP_065194.3, residues 1162-1182): GHVSDASISL[Gly1172Glu]ESVSDMAPAR